The following is an entry in ClinVar:

ClinVar aggregate classification (germline): Uncertain significance (1 of 4 stars; one submission).

Conditions:
TRPC5-related disorder. Also called: TRPC5-related condition.

gnomAD v4.1: 3 of 1,185,387 alleles (0.00025%); highest among the groups gnomAD compares: South Asian, 0.0019%; no homozygotes.

Submission:

PreventionGenetics, part of Exact Sciences
Classification: Uncertain significance for TRPC5-related condition. Last evaluated: 2025-09-02. Review status: criteria provided, single submitter. Criteria: ACMG Guidelines, 2015. Collection method: clinical testing. Allele origin: germline.
Comment: The TRPC5 c.2299C>T variant is predicted to result in the amino acid substitution p.Pro767Ser. To our knowledge, this variant has not been reported in the literature or in a large population database (gnomAD), indicating this variant is rare. At this time, the clinical significance of this variant is uncertain due to the absence of conclusive functional and genetic evidence.

NM_012471.3(TRPC5):c.2299C>T (p.Pro767Ser)

Gene: TRPC5 (transient receptor potential cation channel subfamily C member 5; minus strand). Cytogenetic location: Xq23.
Variant type: single nucleotide variant.
Coding change: c.2299C>T on transcript NM_012471.3 (MANE Select); coding-DNA position 2299, C replaced by T.
Protein change: p.Pro767Ser; replaces proline 767 with serine.
Molecular consequence: missense variant.
Genome position (GRCh38, 1-based): chrX:111,776,936, G>A on the plus strand (C>T on the coding strand, the complement: TRPC5 is on the minus strand). VCF-style: chrX-111776936-G-A. GRCh37 (hg19) VCF-style: chrX-111020164-G-A.
Other names: short protein forms P767S.
Identifiers: ClinVar variation 4999889 (VCV004999889.1).